The following is an entry in ClinVar:

NM_023067.4(FOXL2):c.277A>T (p.Lys93Ter)

Gene: FOXL2 (forkhead box L2; minus strand). Cytogenetic location: 3q22.3.
Variant type: single nucleotide variant.
Coding change: c.277A>T on transcript NM_023067.4 (MANE Select); coding-DNA position 277, A replaced by T.
Protein change: p.Lys93Ter; replaces lysine 93 with a stop codon.
Molecular consequence: nonsense.
Genome position (GRCh38, 1-based): chr3:138,946,446, T>A on the plus strand (A>T on the coding strand, the complement: FOXL2 is on the minus strand). VCF-style: chr3-138946446-T-A. GRCh37 (hg19) VCF-style: chr3-138665288-T-A.
Other names: short protein forms K93*.
Identifiers: ClinVar variation 4728119 (VCV004728119.1).

ClinVar aggregate classification (germline): Pathogenic (1 of 4 stars; one submission).

Submission:

Labcorp Genetics (formerly Invitae), Labcorp
Classification: Pathogenic. Last evaluated: 2025-09-29. Review status: criteria provided, single submitter. Criteria: Invitae Variant Classification Sherloc (09022015). Collection method: clinical testing. Allele origin: germline.
Comment: This sequence change creates a premature translational stop signal (p.Lys93*) in the FOXL2 gene. While this is not anticipated to result in nonsense mediated decay, it is expected to disrupt the last 284 amino acid(s) of the FOXL2 protein. This variant is not present in population databases (gnomAD no frequency). This variant has not been reported in the literature in individuals affected with FOXL2-related conditions. This variant disrupts a region of the FOXL2 protein in which other variant(s) (p.Ser217Phe) have been determined to be pathogenic (PMID: 11468277, 31077882). This suggests that this is a clinically significant region of the protein, and that variants that disrupt it are likely to be disease-causing. For these reasons, this variant has been classified as Pathogenic.

Literature cited by the submitters: PubMed 11468277; PubMed 31077882.